The following is an entry in ClinVar:

NM_001002295.2(GATA3):c.766C>T (p.Arg256Trp)

Gene: GATA3 (GATA binding protein 3; plus strand). Cytogenetic location: 10p14.
Variant type: single nucleotide variant.
Coding change: c.766C>T on transcript NM_001002295.2 (MANE Select); coding-DNA position 766, C replaced by T.
Protein change: p.Arg256Trp; replaces arginine 256 with tryptophan.
Molecular consequence: missense variant.
Genome position (GRCh38, 1-based): chr10:8,058,829, C>T. VCF-style: chr10-8058829-C-T. GRCh37 (hg19) VCF-style: chr10-8100792-C-T.
Other names: c.766C>T, p.Arg256Trp (NM_002051.3); short protein forms R256W.
Identifiers: ClinVar variation 2124960 (VCV002124960.4), dbSNP rs758290866, ClinGen allele CA375971149.

ClinVar aggregate classification (germline): Uncertain significance (1 of 4 stars; one submission).

gnomAD v4.1: 2 of 1,603,840 alleles (0.00012%); highest among the groups gnomAD compares: Non-Finnish European, 0.00017%; no homozygotes.

Submission:

Labcorp Genetics (formerly Invitae), Labcorp
Classification: Uncertain significance. Last evaluated: 2022-04-11. Review status: criteria provided, single submitter. Criteria: Invitae Variant Classification Sherloc (09022015). Collection method: clinical testing. Allele origin: germline.
Comment: In summary, the available evidence is currently insufficient to determine the role of this variant in disease. Therefore, it has been classified as a Variant of Uncertain Significance. Algorithms developed to predict the effect of missense changes on protein structure and function (SIFT, PolyPhen-2, Align-GVGD) all suggest that this variant is likely to be disruptive. This variant has not been reported in the literature in individuals affected with GATA3-related conditions. The frequency data for this variant in the population databases is considered unreliable, as metrics indicate poor data quality at this position in the gnomAD database. This sequence change replaces arginine, which is basic and polar, with tryptophan, which is neutral and slightly polar, at codon 256 of the GATA3 protein (p.Arg256Trp).